The following is an entry in ClinVar:

NM_024426.6(WT1):c.119A>C (p.Asp40Ala)

Genes: WT1 (WT1 transcription factor; minus strand), LOC107982234 (WT1/WT1-AS bi-directional promoter region; plus strand). Cytogenetic location: 11p13.
Variant type: single nucleotide variant.
Coding change: c.119A>C on transcript NM_024426.6 (MANE Select); coding-DNA position 119, A replaced by C.
Protein change: p.Asp40Ala; replaces aspartic acid 40 with alanine.
Molecular consequence: missense variant. On other transcripts: non-coding transcript variant (2).
Genome position (GRCh38, 1-based): chr11:32,435,242, T>G on the plus strand (A>C on the coding strand, the complement: WT1 is on the minus strand). VCF-style: chr11-32435242-T-G. GRCh37 (hg19) VCF-style: chr11-32456788-T-G.
Other names: c.119A>C, p.Asp40Ala (NM_000378.6, NM_001407044.1, NM_001407045.1 and 6 more transcripts); c.104A>C, p.Asp35Ala (NM_024425.2); short protein forms D35A, D40A.
Identifiers: ClinVar variation 2942653 (VCV002942653.3), dbSNP rs2133107085, ClinGen allele CA379966346.
Genomic context (GRCh38, chr11:32,435,242, plus strand): 5'-CCCTGGAGACGTTCAGCGCTGGCCTCGGCGGCGCCTAACTTGGCCCAGATGCCGCCCGGG[T>G]CCCGGACTCCCTGCTGCTCTGGCTGCTGTAGGCACCCAGGCCCGGAGCGGAGCGTGTGCT-3'
Protein context (NP_077744.4, residues 30-50): LQQPEQQGVR[Asp40Ala]PGGIWAKLGA

ClinVar aggregate classification (germline): Uncertain significance (1 of 4 stars; one submission).

Conditions:
Frasier syndrome. Identifiers: Orphanet 347, MedGen C0950122, MeSH D052159, MONDO:0007635, OMIM 136680.
Drash syndrome (DDS). Also called: NEPHROPATHY, WILMS TUMOR, AND GENITAL ANOMALIES; WILMS TUMOR AND PSEUDO- OR TRUE HERMAPHRODITISM. Identifiers: Orphanet 220, MedGen C0950121, MONDO:0008682, OMIM 194080.
Wilms tumor 1 (WT1). Also called: Wilms tumor, somatic. Identifiers: Orphanet 654, MedGen CN033288, MONDO:0008679, OMIM 194070.
11p partial monosomy syndrome (WAGR). Also called: CHROMOSOME 11p13 DELETION SYNDROME; WAGR syndrome; WAGR Complex; WAGR Spectrum Disorder. Identifiers: Orphanet 893, MedGen C0206115, MONDO:0008681, OMIM 194072.

Allele frequency attached by ClinVar (database versions not stated): gnomAD exomes below 0.00001.
gnomAD v4.1: 2 of 1,535,676 alleles (0.00013%); highest among the groups gnomAD compares: Non-Finnish European, 0.00017%; no homozygotes.

Submission:

Labcorp Genetics (formerly Invitae), Labcorp
Classification: Uncertain significance for Wilms tumor 1; Drash syndrome; 11p partial monosomy syndrome; Frasier syndrome. Last evaluated: 2022-12-24. Review status: criteria provided, single submitter. Criteria: Invitae Variant Classification Sherloc (09022015). Collection method: clinical testing. Allele origin: germline.
Comment: This variant has not been reported in the literature in individuals affected with WT1-related conditions. In summary, the available evidence is currently insufficient to determine the role of this variant in disease. Therefore, it has been classified as a Variant of Uncertain Significance. Algorithms developed to predict the effect of missense changes on protein structure and function output the following: SIFT: "Deleterious"; PolyPhen-2: "Benign"; Align-GVGD: "Class C0". The alanine amino acid residue is found in multiple mammalian species, which suggests that this missense change does not adversely affect protein function. This variant is not present in population databases (gnomAD no frequency). This sequence change replaces aspartic acid, which is acidic and polar, with alanine, which is neutral and non-polar, at codon 35 of the WT1 protein (p.Asp35Ala).